The following is an entry in ClinVar:

ClinVar aggregate classification (germline): Uncertain significance. Review status: criteria provided, multiple submitters, no conflicts (2 of 4 stars). 2 submissions from 2 submitters: Uncertain significance (2). Last evaluated 2026-01-01.

Conditions:
Congenital myasthenic syndrome 2A. Also called: Myasthenic syndrome, congenital, 2a, slow-channel. Identifiers: Orphanet 590, MedGen C4225374, MONDO:0014581, OMIM 616313.

Submissions (2):

Labcorp Genetics (formerly Invitae), Labcorp
Classification: Uncertain significance for Congenital myasthenic syndrome 2A. Last evaluated: 2026-01-01. Review status: criteria provided, single submitter. Criteria: Invitae Variant Classification Sherloc (09022015). Collection method: clinical testing. Allele origin: germline.
Comment: This variant, c.40_48del, results in the deletion of 3 amino acid(s) of the CHRNB1 protein (p.Gly14_Pro16del), but otherwise preserves the integrity of the reading frame. This variant is not present in population databases (gnomAD no frequency). This variant has not been reported in the literature in individuals affected with CHRNB1-related conditions. ClinVar contains an entry for this variant (Variation ID: 1404151). Experimental studies and prediction algorithms are not available or were not evaluated, and the functional significance of this variant is currently unknown. In summary, the available evidence is currently insufficient to determine the role of this variant in disease. Therefore, it has been classified as a Variant of Uncertain Significance.

Revvity Omics, Revvity
Classification: Uncertain significance. Last evaluated: 2021-09-17. Review status: criteria provided, single submitter. Criteria: ACMG Guidelines, 2015. Collection method: clinical testing. Allele origin: germline.

NM_000747.3(CHRNB1):c.40_48del (p.Gly14_Pro16del)

Genes: CHRNB1 (cholinergic receptor nicotinic beta 1 subunit; plus strand), LOC130060147 (ATAC-STARR-seq lymphoblastoid silent region 8121; plus strand). Cytogenetic location: 17p13.1.
Variant type: Deletion.
Coding change: c.40_48del on transcript NM_000747.3 (MANE Select); coding-DNA positions 40 to 48, 9 bases deleted (GGGGCGCCG; older notation c.40_48delGGGGCGCCG).
Protein change: p.Gly14_Pro16del.
Molecular consequence: inframe deletion.
Genome position (GRCh38, 1-based): chr17:7,445,167-7,445,175, GGGGCGCCG deleted; deleting any 9 consecutive bases within chr17:7,445,166-7,445,175 gives the same sequence; the c. name uses the placement nearest the transcript's 3' end. VCF-style (leftmost placement, unchanged base first): chr17-7445165-TGGGGGCGCC-T. GRCh37 (hg19) VCF-style: chr17-7348484-TGGGGGCGCC-T.
Identifiers: ClinVar variation 1404151 (VCV001404151.8), dbSNP rs1250653617, ClinGen allele CA774963003.
Genomic context (GRCh38, chr17:7,445,165, plus strand): 5'-GTCACTGAGCGAGCCGCCAGGCTATGACCCCAGGGGCTCTGCTGATGCTGCTGGGGGCGC[TGGGGGCGCC>T]GCTCGCCCCAGGTAAGTGTAGGCCCCGAAGGGGCAGTGACGGGGCCAGCGGTCGTGGCCA-3'